The following is an entry in ClinVar:

ClinVar aggregate classification (germline): Uncertain significance. Review status: criteria provided, multiple submitters, no conflicts (2 of 4 stars). 2 submissions from 2 submitters: Uncertain significance (2). Last evaluated 2025-02-13.

Conditions:
Inborn genetic diseases. Identifiers: MedGen C0950123, MeSH D030342.

Allele frequency attached by ClinVar (database versions not stated): gnomAD 0.00001; TOPMed 0.00004.
gnomAD v4.1: 4 of 1,614,064 alleles (0.00025%); highest among the groups gnomAD compares: African/African-American, 0.004%; no homozygotes.

Submissions (2):

Ambry Genetics
Classification: Uncertain significance for Inborn genetic diseases. Last evaluated: 2025-02-13. Review status: criteria provided, single submitter. Criteria: Ambry Variant Classification Scheme 2023. Collection method: clinical testing. Allele origin: germline.

Labcorp Genetics (formerly Invitae), Labcorp
Classification: Uncertain significance. Last evaluated: 2022-06-20. Review status: criteria provided, single submitter. Criteria: Invitae Variant Classification Sherloc (09022015). Collection method: clinical testing. Allele origin: germline.
Comment: This variant is present in population databases (rs780699805, gnomAD 0.008%). In summary, the available evidence is currently insufficient to determine the role of this variant in disease. Therefore, it has been classified as a Variant of Uncertain Significance. Algorithms developed to predict the effect of missense changes on protein structure and function are either unavailable or do not agree on the potential impact of this missense change (SIFT: "Deleterious"; PolyPhen-2: "Possibly Damaging"; Align-GVGD: "Class C0"). This variant has not been reported in the literature in individuals affected with NSUN3-related conditions. This sequence change replaces valine, which is neutral and non-polar, with phenylalanine, which is neutral and non-polar, at codon 135 of the NSUN3 protein (p.Val135Phe).

NM_022072.5(NSUN3):c.403G>T (p.Val135Phe)

Gene: NSUN3 (NOP2/Sun RNA methyltransferase 3; plus strand). Cytogenetic location: 3q11.2.
Variant type: single nucleotide variant.
Coding change: c.403G>T on transcript NM_022072.5 (MANE Select); coding-DNA position 403, G replaced by T.
Protein change: p.Val135Phe; replaces valine 135 with phenylalanine.
Molecular consequence: missense variant.
Genome position (GRCh38, 1-based): chr3:94,084,387, G>T. VCF-style: chr3-94084387-G-T. GRCh37 (hg19) VCF-style: chr3-93803231-G-T.
Other names: c.403G>T (NM_022072.3); short protein forms V135F.
Identifiers: ClinVar variation 1920220 (VCV001920220.6), dbSNP rs780699805, ClinGen allele CA2504691.